The following is an entry in ClinVar:

NM_003072.5(SMARCA4):c.4107T>C (p.Arg1369=)

Gene: SMARCA4 (SWI/SNF related BAF chromatin remodeling complex subunit ATPase 4; plus strand). Cytogenetic location: 19p13.2.
Variant type: single nucleotide variant.
Coding change: c.4107T>C on transcript NM_003072.5 (MANE Select); coding-DNA position 4107, T replaced by C.
Protein change: p.Arg1369=; no amino-acid change (arginine 1369 retained).
Molecular consequence: synonymous variant. On other transcripts: non-coding transcript variant (1).
Genome position (GRCh38, 1-based): chr19:11,035,069, T>C. VCF-style: chr19-11035069-T-C. GRCh37 (hg19) VCF-style: chr19-11145745-T-C.
Other names: c.4107T>C, p.Arg1369= (NM_001128844.3, NM_001128849.3, NM_001387283.1); c.4008T>C, p.Arg1336= (NM_001128845.2, NM_001128846.2, NM_001128847.4 and 2 more transcripts); c.4107T>C (NM_001128849.1).
Identifiers: ClinVar variation 1102679 (VCV001102679.18), dbSNP rs2146702110, ClinGen allele CA505493429.

ClinVar aggregate classification (germline): Likely benign. Review status: criteria provided, multiple submitters, no conflicts (2 of 4 stars). 3 submissions from 3 submitters: Likely benign (3). Last evaluated 2026-06-20.

Conditions:
Hereditary cancer-predisposing syndrome. Also called: Neoplastic Syndromes, Hereditary; Tumor predisposition; Hereditary neoplastic syndrome; Hereditary Cancer Syndrome. Identifiers: Orphanet 140162, MedGen C0027672, MeSH D009386, MONDO:0015356.
Rhabdoid tumor predisposition syndrome 2 (RTPS2). Identifiers: Orphanet 231108, Orphanet 69077, MedGen C2750074, MONDO:0013224, OMIM 613325.

Submissions (3):

Ambry Genetics
Classification: Likely benign for Hereditary cancer-predisposing syndrome. Last evaluated: 2026-06-20. Review status: criteria provided, single submitter. Criteria: Ambry Variant Classification Scheme 2023. Collection method: clinical testing. Allele origin: germline.

Labcorp Genetics (formerly Invitae), Labcorp
Classification: Likely benign for Rhabdoid tumor predisposition syndrome 2. Last evaluated: 2025-10-30. Review status: criteria provided, single submitter. Criteria: Invitae Variant Classification Sherloc (09022015). Collection method: clinical testing. Allele origin: germline.

CeGaT Center for Human Genetics Tuebingen
Classification: Likely benign. Last evaluated: 2025-08-01. Review status: criteria provided, single submitter. Criteria: CeGaT Center For Human Genetics Tuebingen Variant Classification Criteria Version 2. Collection method: clinical testing. Allele origin: germline. Affected: yes. Observed: 1 variant allele.
Comment: SMARCA4: PM2:Supporting, BP4, BP7